The following is an entry in ClinVar:

NM_017514.5(PLXNA3):c.2425A>G (p.Ile809Val)

Gene: PLXNA3 (plexin A3; plus strand). Cytogenetic location: Xq28.
Variant type: single nucleotide variant.
Coding change: c.2425A>G on transcript NM_017514.5 (MANE Select); coding-DNA position 2425, A replaced by G.
Protein change: p.Ile809Val; replaces isoleucine 809 with valine.
Molecular consequence: missense variant.
Genome position (GRCh38, 1-based): chrX:154,465,740, A>G. VCF-style: chrX-154465740-A-G. GRCh37 (hg19) VCF-style: chrX-153694083-A-G.
Other names: short protein forms I809V.
Identifiers: ClinVar variation 4988665 (VCV004988665.1).

ClinVar aggregate classification (germline): Uncertain significance (1 of 4 stars; one submission).

Conditions:
PLXNA3-related disorder. Also called: PLXNA3-related condition.

Submission:

PreventionGenetics, part of Exact Sciences
Classification: Uncertain significance for PLXNA3-related condition. Last evaluated: 2026-06-20. Review status: criteria provided, single submitter. Criteria: ACMG Guidelines, 2015. Collection method: clinical testing. Allele origin: germline.
Comment: The PLXNA3 c.2425A>G variant is predicted to result in the amino acid substitution p.Ile809Val. To our knowledge, this variant has not been reported in the literature or in a large population database (gnomAD), indicating this variant is rare. At this time, the clinical significance of this variant is uncertain due to the absence of conclusive functional and genetic evidence.